The following is an entry in ClinVar:

NM_004714.3(DYRK1B):c.208C>T (p.Arg70Trp)

Gene: DYRK1B (dual specificity tyrosine phosphorylation regulated kinase 1B; minus strand). Cytogenetic location: 19q13.2.
Variant type: single nucleotide variant.
Coding change: c.208C>T on transcript NM_004714.3 (MANE Select); coding-DNA position 208, C replaced by T.
Protein change: p.Arg70Trp; replaces arginine 70 with tryptophan.
Molecular consequence: missense variant.
Genome position (GRCh38, 1-based): chr19:39,830,539, G>A on the plus strand (C>T on the coding strand, the complement: DYRK1B is on the minus strand). VCF-style: chr19-39830539-G-A. GRCh37 (hg19) VCF-style: chr19-40321179-G-A.
Other names: c.208C>T, p.Arg70Trp (NM_006483.3, NM_006484.3); short protein forms R70W.
Identifiers: ClinVar variation 2636141 (VCV002636141.3), dbSNP rs200104062, ClinGen allele CA9434389.
Genomic context (GRCh38, chr19:39,830,539, plus strand): 5'-GGTTCAGGACCTTCTTCTCCTTCTTGTTGCTCGAATCCTGGGGTGGCGCCTGCTGGGCCC[G>A]CCGCTTCTTCTTCGCATAGTATACCTGCCCAGCCAGCCAGCCAGGAGATGGGGACTGGTG-3'
Protein context (NP_004705.1, residues 60-80): NEVYYAKKKR[Arg70Trp]AQQAPPQDSS

ClinVar aggregate classification (germline): Uncertain significance (0 of 4 stars; one submission).

Conditions:
DYRK1B-related disorder. Also called: DYRK1B-related condition.

Allele frequency attached by ClinVar (database versions not stated): ExAC 0.00001; gnomAD exomes 0.00001; TOPMed 0.00002; 1000 Genomes Project 30x 0.00016; 1000 Genomes Project 0.00020.

Submission:

PreventionGenetics, part of Exact Sciences
Classification: Uncertain significance for DYRK1B-related condition. Last evaluated: 2024-01-09. Review status: no assertion criteria provided. Collection method: clinical testing. Allele origin: germline.
Comment: The DYRK1B c.208C>T variant is predicted to result in the amino acid substitution p.Arg70Trp. To our knowledge, this variant has not been reported in the literature. This variant is reported in 0.017% of alleles in individuals of Latino descent in gnomAD, which is likely too frequent to be an unreported cause of disease. Although we suspect that this variant may be benign, at this time, the clinical significance of this variant is uncertain due to the absence of conclusive functional and genetic evidence.